The following is an entry in ClinVar:

ClinVar aggregate classification (germline): Conflicting classifications of pathogenicity. Review status: criteria provided, conflicting classifications (1 of 4 stars). 3 submissions from 3 submitters: Uncertain significance (1); Likely benign (2). Last evaluated 2026-01-21.

Conditions:
Inborn genetic diseases. Identifiers: MedGen C0950123, MeSH D030342.

Allele frequency attached by ClinVar (database versions not stated): TOPMed 0.00001; gnomAD 0.00002 and 0.00003; gnomAD exomes 0.00004; ExAC 0.00005.
gnomAD v4.1: 70 of 1,577,620 alleles (0.0044%); highest among the groups gnomAD compares: Non-Finnish European, 0.0052%; no homozygotes.

Submissions (3):

Labcorp Genetics (formerly Invitae), Labcorp
Classification: Uncertain significance. Last evaluated: 2026-01-21. Review status: criteria provided, single submitter. Criteria: Invitae Variant Classification Sherloc (09022015). Collection method: clinical testing. Allele origin: germline.
Comment: This sequence change replaces arginine, which is basic and polar, with glutamine, which is neutral and polar, at codon 945 of the AUTS2 protein (p.Arg945Gln). This variant is present in population databases (rs756314192, gnomAD 0.008%). This variant has not been reported in the literature in individuals affected with AUTS2-related conditions. ClinVar contains an entry for this variant (Variation ID: 1326622). Invitae Evidence Modeling of protein sequence and biophysical properties (such as structural, functional, and spatial information, amino acid conservation, physicochemical variation, residue mobility, and thermodynamic stability) indicates that this missense variant is not expected to disrupt AUTS2 protein function with a negative predictive value of 80%. In summary, the available evidence is currently insufficient to determine the role of this variant in disease. Therefore, it has been classified as a Variant of Uncertain Significance.

Ambry Genetics
Classification: Likely benign for Inborn genetic diseases. Last evaluated: 2023-09-14. Review status: criteria provided, single submitter. Criteria: Ambry Variant Classification Scheme 2023. Collection method: clinical testing. Allele origin: germline.

GeneDx
Classification: Likely benign. Last evaluated: 2021-05-27. Review status: criteria provided, single submitter. Criteria: GeneDx Variant Classification Process June 2021. Collection method: clinical testing. Allele origin: germline. Affected: yes.

NM_015570.4(AUTS2):c.2834G>A (p.Arg945Gln)

Gene: AUTS2 (activator of transcription and developmental regulator AUTS2; plus strand). Cytogenetic location: 7q11.22.
Variant type: single nucleotide variant.
Coding change: c.2834G>A on transcript NM_015570.4 (MANE Select); coding-DNA position 2834, G replaced by A.
Protein change: p.Arg945Gln; replaces arginine 945 with glutamine.
Molecular consequence: missense variant.
Genome position (GRCh38, 1-based): chr7:70,790,050, G>A. VCF-style: chr7-70790050-G-A. GRCh37 (hg19) VCF-style: chr7-70255036-G-A.
Other names: c.2762G>A, p.Arg921Gln (NM_001127231.3); short protein forms R921Q, R945Q.
Identifiers: ClinVar variation 1326622 (VCV001326622.8), dbSNP rs756314192, ClinGen allele CA4281201.